The following is an entry in ClinVar:

NM_001401501.2(MUC16):c.37381C>T (p.Leu12461=)

Gene: MUC16 (mucin 16, cell surface associated; minus strand). Cytogenetic location: 19p13.2.
Variant type: single nucleotide variant.
Coding change: c.37381C>T on transcript NM_001401501.2 (MANE Select); coding-DNA position 37381, C replaced by T.
Protein change: p.Leu12461=; no amino-acid change (leucine 12461 retained).
Molecular consequence: synonymous variant.
Genome position (GRCh38, 1-based): chr19:8,910,452, G>A on the plus strand (C>T on the coding strand, the complement: MUC16 is on the minus strand). VCF-style: chr19-8910452-G-A. GRCh37 (hg19) VCF-style: chr19-9021128-G-A.
Other names: c.37807C>T, p.Leu12603= (NM_001414686.1); c.37261C>T, p.Leu12421= (NM_001414687.1); c.37195C>T, p.Leu12399= (NM_024690.2).
Identifiers: ClinVar variation 3038219 (VCV003038219.2), dbSNP rs369228039, ClinGen allele CA9165337.

ClinVar aggregate classification (germline): Likely benign (0 of 4 stars; one submission).

Conditions:
MUC16-related disorder. Also called: MUC16-related condition.

Allele frequency attached by ClinVar (database versions not stated): ExAC 0.00002.

Submission:

PreventionGenetics, part of Exact Sciences
Classification: Likely benign for MUC16-related condition. Last evaluated: 2019-05-24. Review status: no assertion criteria provided. Collection method: clinical testing. Allele origin: germline.
Comment: This variant is classified as likely benign based on ACMG/AMP sequence variant interpretation guidelines (Richards et al. 2015 PMID: 25741868, with internal and published modifications).